The following is an entry in ClinVar:

NM_002335.4(LRP5):c.3307C>T (p.Arg1103Cys)

Gene: LRP5 (LDL receptor related protein 5; plus strand). Cytogenetic location: 11q13.2.
Variant type: single nucleotide variant.
Coding change: c.3307C>T on transcript NM_002335.4 (MANE Select); coding-DNA position 3307, C replaced by T.
Protein change: p.Arg1103Cys; replaces arginine 1103 with cysteine.
Molecular consequence: missense variant.
Genome position (GRCh38, 1-based): chr11:68,425,172, C>T. VCF-style: chr11-68425172-C-T. GRCh37 (hg19) VCF-style: chr11-68192640-C-T.
Other names: c.1564C>T, p.Arg522Cys (NM_001291902.2); short protein forms R1103C, R522C.
Identifiers: ClinVar variation 1303470 (VCV001303470.10), dbSNP rs768840999, ClinGen allele CA6149943.
Genomic context (GRCh38, chr11:68,425,172, plus strand): 5'-TTCACCAACATGCAGGACCGGGCAGCCAAGATCGAACGCGCAGCCCTGGACGGCACCGAG[C>T]GCGAGGTCCTCTTCACCACCGGCCTCATCCGCCCTGTGGCCCTGGTGGTGGACAACACAC-3'
Protein context (NP_002326.2, residues 1093-1113): IERAALDGTE[Arg1103Cys]EVLFTTGLIR

ClinVar aggregate classification (germline): Uncertain significance. Review status: criteria provided, multiple submitters, no conflicts (2 of 4 stars). 5 submissions from 5 submitters: Uncertain significance (5). Last evaluated 2025-06-04.

Conditions:
Exudative vitreoretinopathy 4 (EVR4). Identifiers: Orphanet 891, MedGen C1866176, MONDO:0011151, OMIM 601813.
Worth disease. Also called: ENDOSTEAL HYPEROSTOSIS, AUTOSOMAL DOMINANT; Autosomal dominant osteosclerosis, Worth type; OSTEOSCLEROSIS, AUTOSOMAL DOMINANT. Identifiers: Orphanet 2790, MedGen C0432273, MONDO:0007764, OMIM 144750.
Osteoporosis with pseudoglioma (OPPG). Also called: osteoporosis-pseudoglioma syndrome. Identifiers: Orphanet 2788, MedGen C0432252, MONDO:0009820, OMIM 259770.
Autosomal dominant osteopetrosis 1 (OPTA1). Also called: OSTEOPETROSIS, AUTOSOMAL DOMINANT, TYPE I. Identifiers: Orphanet 2783, MedGen C1843330, MONDO:0011877, OMIM 607634.
Polycystic liver disease 4 with or without kidney cysts. Identifiers: MedGen C4693479, MONDO:0044327, OMIM 617875.
Bone mineral density quantitative trait locus 1 (BMND1). Identifiers: MedGen C1866079, OMIM 601884.
Osteoporosis. Identifiers: MedGen C0029456, MONDO:0005298, OMIM 166710, HP:0000939.
Exudative vitreoretinopathy 1 (EVR1). Also called: CRISWICK-SCHEPENS SYNDROME; FEVR, AUTOSOMAL DOMINANT; Familial exudative vitreoretinopathy, autosomal dominant. Identifiers: Orphanet 891, Orphanet 90050, MedGen C1851402, MONDO:0007589, OMIM 133780.
Inborn genetic diseases. Identifiers: MedGen C0950123, MeSH D030342.

Allele frequency attached by ClinVar (database versions not stated): ExAC 0.00001; gnomAD exomes 0.00001; gnomAD 0.00002 and 0.00003; TOPMed 0.00003.
gnomAD v4.1: 7 of 1,613,590 alleles (0.00043%); highest among the groups gnomAD compares: African/African-American, 0.0067%; no homozygotes.

Submissions (5):

Labcorp Genetics (formerly Invitae), Labcorp
Classification: Uncertain significance. Last evaluated: 2025-06-04. Review status: criteria provided, single submitter. Criteria: Invitae Variant Classification Sherloc (09022015). Collection method: clinical testing. Allele origin: germline.
Comment: This sequence change replaces arginine, which is basic and polar, with cysteine, which is neutral and slightly polar, at codon 1103 of the LRP5 protein (p.Arg1103Cys). This variant is present in population databases (rs768840999, gnomAD 0.01%). This variant has not been reported in the literature in individuals affected with LRP5-related conditions. ClinVar contains an entry for this variant (Variation ID: 1303470). Invitae Evidence Modeling of protein sequence and biophysical properties (such as structural, functional, and spatial information, amino acid conservation, physicochemical variation, residue mobility, and thermodynamic stability) has been performed for this missense variant. However, the output from this modeling did not meet the statistical confidence thresholds required to predict the impact of this variant on LRP5 protein function. In summary, the available evidence is currently insufficient to determine the role of this variant in disease. Therefore, it has been classified as a Variant of Uncertain Significance.

Ambry Genetics
Classification: Uncertain significance for Inborn genetic diseases. Last evaluated: 2025-04-18. Review status: criteria provided, single submitter. Criteria: Ambry Variant Classification Scheme 2023. Collection method: clinical testing. Allele origin: germline.

Blueprint Genetics
Classification: Uncertain significance. Last evaluated: 2023-11-16. Review status: criteria provided, single submitter. Criteria: ACMG Guidelines, 2015. Collection method: clinical testing. Allele origin: germline.

Fulgent Genetics
Classification: Uncertain significance for Exudative vitreoretinopathy 1; Worth disease; Osteoporosis; Osteoporosis with pseudoglioma; Exudative vitreoretinopathy 4; Bone mineral density quantitative trait locus 1; Autosomal dominant osteopetrosis 1; Polycystic liver disease 4 with or without kidney cysts. Last evaluated: 2021-08-23. Review status: criteria provided, single submitter. Criteria: ACMG Guidelines, 2015. Collection method: clinical testing. Allele origin: unknown.

GeneDx
Classification: Uncertain significance. Last evaluated: 2019-09-25. Review status: criteria provided, single submitter. Criteria: GeneDx Variant Classification Process June 2021. Collection method: clinical testing. Allele origin: germline. Affected: yes.
Comment: In silico analysis, which includes protein predictors and evolutionary conservation, supports a deleterious effect; Has not been previously published as pathogenic or benign to our knowledge